The following is an entry in ClinVar:

NM_001145860.2(POP1):c.487-6C>T

Gene: POP1 (POP1 ribonuclease P/MRP subunit; plus strand). Cytogenetic location: 8q22.2.
Variant type: single nucleotide variant.
Coding change: c.487-6C>T on transcript NM_001145860.2 (MANE Select); 6 bases into the intron before coding-DNA position 487, C replaced by T.
Molecular consequence: intron variant.
Genome position (GRCh38, 1-based): chr8:98,129,972, C>T. VCF-style: chr8-98129972-C-T. GRCh37 (hg19) VCF-style: chr8-99142200-C-T.
Other names: c.487-6C>T (NM_015029.2, NM_001145861.2, NM_015029.3).
Identifiers: ClinVar variation 2159907 (VCV002159907.5), dbSNP rs570006227, ClinGen allele CA4820333.

ClinVar aggregate classification (germline): Conflicting classifications of pathogenicity. Review status: criteria provided, conflicting classifications (1 of 4 stars). 2 submissions from 2 submitters: Uncertain significance (1); Likely benign (1). Last evaluated 2025-08-04.

Conditions:
Inborn genetic diseases. Identifiers: MedGen C0950123, MeSH D030342.

Allele frequency attached by ClinVar (database versions not stated): ExAC 0.00002; TOPMed 0.00005; gnomAD exomes 0.00012.
gnomAD v4.1: 181 of 1,613,810 alleles (0.011%); highest among the groups gnomAD compares: Non-Finnish European, 0.015%; no homozygotes.

Submissions (2):

Labcorp Genetics (formerly Invitae), Labcorp
Classification: Likely benign. Last evaluated: 2025-08-04. Review status: criteria provided, single submitter. Criteria: Invitae Variant Classification Sherloc (09022015). Collection method: clinical testing. Allele origin: germline.

Ambry Genetics
Classification: Uncertain significance for Inborn genetic diseases. Last evaluated: 2022-09-19. Review status: criteria provided, single submitter. Criteria: Ambry Variant Classification Scheme 2023. Collection method: clinical testing. Allele origin: germline.
Comment: The c.487-6C>T intronic alteration consists of a C to T substitution 6 nucleotides before coding exon 4 in the POP1 gene. Based on insufficient or conflicting evidence, the clinical significance of this alteration remains unclear.